The following is an entry in ClinVar:

ClinVar aggregate classification (germline): Conflicting classifications of pathogenicity. Review status: criteria provided, conflicting classifications (1 of 4 stars). 3 submissions from 3 submitters: Uncertain significance (1); Likely benign (2). Last evaluated 2026-04-01.

Conditions:
Juvenile polyposis syndrome (JPS). Identifiers: Orphanet 2929, MedGen C0345893, MONDO:0017380, OMIM 174900.
Hereditary cancer-predisposing syndrome. Also called: Neoplastic Syndromes, Hereditary; Tumor predisposition; Hereditary Cancer Syndrome; Hereditary neoplastic syndrome. Identifiers: Orphanet 140162, MedGen C0027672, MeSH D009386, MONDO:0015356.

Submissions (3):

Ambry Genetics
Classification: Uncertain significance for Hereditary cancer-predisposing syndrome. Last evaluated: 2026-04-01. Review status: criteria provided, single submitter. Criteria: Ambry Variant Classification Scheme 2023. Collection method: clinical testing. Allele origin: germline.
Comment: The c.531-5A>T intronic variant results from an A to T substitution 5 nucleotides upstream from coding exon 6 in the BMPR1A gene. This nucleotide position is poorly conserved in available vertebrate species. In silico splice site analysis predicts that this alteration will not have any significant effect on splicing. Based on the available evidence, the clinical significance of this variant remains unclear.

Myriad Genetics, Inc.
Classification: Likely benign for Juvenile polyposis syndrome. Last evaluated: 2024-08-01. Review status: criteria provided, single submitter. Criteria: Myriad Autosomal Dominant, Autosomal Recessive and X-Linked Classification Criteria (2023). Collection method: clinical testing. Allele origin: unknown.
Comment: This variant is considered likely benign. This variant is intronic and is not expected to impact mRNA splicing.

Labcorp Genetics (formerly Invitae), Labcorp
Classification: Likely benign for Juvenile polyposis syndrome. Last evaluated: 2024-03-03. Review status: criteria provided, single submitter. Criteria: Invitae Variant Classification Sherloc (09022015). Collection method: clinical testing. Allele origin: germline.

NM_004329.3(BMPR1A):c.531-5A>T

Gene: BMPR1A (bone morphogenetic protein receptor type 1A; plus strand). Cytogenetic location: 10q23.2.
Variant type: single nucleotide variant.
Coding change: c.531-5A>T on transcript NM_004329.3 (MANE Select); 5 bases into the intron before coding-DNA position 531, A replaced by T.
Molecular consequence: intron variant.
Genome position (GRCh38, 1-based): chr10:86,912,235, A>T. VCF-style: chr10-86912235-A-T. GRCh37 (hg19) VCF-style: chr10-88671992-A-T.
Other names: c.531-5A>T (NM_001406570.1, NM_001406565.1, NM_001406574.1 and 21 more transcripts); c.447-5A>T (NM_001406584.1, NM_001406588.1, NM_001406587.1 and 2 more transcripts); c.579-5A>T (NM_001406560.1); c.606-5A>T (NM_001406559.1); c.334-4899A>T (NM_001406589.1).
Identifiers: ClinVar variation 3378869 (VCV003378869.4).